The following is an entry in ClinVar:

ClinVar aggregate classification (germline): Pathogenic. Review status: criteria provided, single submitter (1 of 4 stars). 2 submissions from 2 submitters: Pathogenic (1). 1 of the submissions does not count toward it. Last evaluated 2025-07-02.

Conditions:
Tuberous sclerosis 2 (TSC2). Identifiers: Orphanet 805, MedGen C1860707, MONDO:0013199, OMIM 613254.
Tuberous sclerosis syndrome (TSC). Also called: Tuberous Sclerosis Complex; Tuberous sclerosis. Identifiers: Orphanet 805, MedGen C0041341, MONDO:0001734.

Submissions (2):

Labcorp Genetics (formerly Invitae), Labcorp
Classification: Pathogenic for Tuberous sclerosis 2. Last evaluated: 2025-07-02. Review status: criteria provided, single submitter. Criteria: Invitae Variant Classification Sherloc (09022015). Collection method: clinical testing. Allele origin: germline.
Comment: This sequence change creates a premature translational stop signal (p.Leu663Profs*40) in the TSC2 gene. It is expected to result in an absent or disrupted protein product. Loss-of-function variants in TSC2 are known to be pathogenic (PMID: 10205261, 17304050). This variant is not present in population databases (gnomAD no frequency). This variant has not been reported in the literature in individuals affected with TSC2-related conditions. ClinVar contains an entry for this variant (Variation ID: 50099). For these reasons, this variant has been classified as Pathogenic.

Tuberous sclerosis database (TSC2)
No classification provided. Condition: TSC. Review status: no classification provided. Criteria: Tuberous Sclerosis Database Assertion Criteria 2015. Collection method: curation. Allele origin: germline. Affected: yes. Not counted in ClinVar's aggregate classification.

Literature cited by the submitters: PubMed 10205261 (cited by Labcorp Genetics (formerly Invitae), Labcorp); PubMed 17304050 (cited by Labcorp Genetics (formerly Invitae), Labcorp).

NM_000548.5(TSC2):c.1987dup (p.Leu663fs)

Gene: TSC2 (TSC complex subunit 2; plus strand). Cytogenetic location: 16p13.3.
Variant type: Duplication.
Coding change: c.1987dup on transcript NM_000548.5 (MANE Select); coding-DNA position 1987, one base duplicated (C; older notation c.1987dupC).
Protein change: p.Leu663fs; shifts the reading frame from leucine 663.
Molecular consequence: frameshift variant.
Genome position (GRCh38, 1-based): chr16:2,071,824, C duplicated; the last of 5 consecutive C bases (chr16:2,071,820-2,071,824); duplicating any one gives the same sequence. VCF-style (leftmost placement, unchanged base first): chr16-2071819-G-GC. GRCh37 (hg19) VCF-style: chr16-2121820-G-GC.
Other names: c.2020dup, p.Leu674fs (NM_001318832.2); c.1987dup, p.Leu663fs (NM_001363528.2, NM_001370404.1, NM_001370405.1 and 3 more transcripts); c.1876dup, p.Leu626fs (NM_001318827.2); c.1840dup, p.Leu614fs (NM_001318829.2); c.1387dup, p.Leu463fs (NM_001318831.2); short protein forms L614fs, L674fs, L626fs, L463fs, L663fs.
Identifiers: ClinVar variation 50099 (VCV000050099.3), dbSNP rs137854310, ClinGen allele CA016405.
Genomic context (GRCh38, chr16:2,071,819, plus strand): 5'-TCAGCTGCTTCTCTTGCTTCTGCAGGGAGCCAGAGAGAGGCTCTGAGAAGAAGACCAGCG[G>GC]CCCCCTTTCTCCTCCCACAGGGCCTCCTGGCCCGGCGCCTGCAGGCCCCGCCGTGCGGCT-3'